The following is an entry in ClinVar:

NM_001253697.2(ERBIN):c.1535A>G (p.Glu512Gly)

Gene: ERBIN (erbb2 interacting protein; plus strand). Cytogenetic location: 5q12.3.
Variant type: single nucleotide variant.
Coding change: c.1535A>G on transcript NM_001253697.2 (MANE Select); coding-DNA position 1535, A replaced by G.
Protein change: p.Glu512Gly; replaces glutamic acid 512 with glycine.
Molecular consequence: missense variant.
Genome position (GRCh38, 1-based): chr5:66,044,243, A>G. VCF-style: chr5-66044243-A-G. GRCh37 (hg19) VCF-style: chr5-65340071-A-G.
Other names: c.1535A>G, p.Glu512Gly (NM_018695.4, NM_001006600.3, NM_001253698.2 and 2 more transcripts); short protein forms E512G.
Identifiers: ClinVar variation 2813784 (VCV002813784.3), dbSNP rs2546779155, ClinGen allele CA359861295.
Genomic context (GRCh38, chr5:66,044,243, plus strand): 5'-AGAATATGGTCAAAACTGTTCAAACCATTGTACATAGATTAAAAGATGAAGAGACCAATG[A>G]AGACTCAGGAAGAGATTTGAAACCACATGAAGATCAACAAGATATAAATAAAGATGTGGG-3'
Protein context (NP_001240626.1, residues 502-522): VHRLKDEETN[Glu512Gly]DSGRDLKPHE

ClinVar aggregate classification (germline): Uncertain significance (1 of 4 stars; one submission).

Submission:

Labcorp Genetics (formerly Invitae), Labcorp
Classification: Uncertain significance. Last evaluated: 2022-11-12. Review status: criteria provided, single submitter. Criteria: Invitae Variant Classification Sherloc (09022015). Collection method: clinical testing. Allele origin: germline.
Comment: Algorithms developed to predict the effect of missense changes on protein structure and function are either unavailable or do not agree on the potential impact of this missense change (SIFT: "Deleterious"; PolyPhen-2: "Benign"; Align-GVGD: "Class C0"). This sequence change replaces glutamic acid, which is acidic and polar, with glycine, which is neutral and non-polar, at codon 512 of the ERBIN protein (p.Glu512Gly). This variant is not present in population databases (gnomAD no frequency). This variant has not been reported in the literature in individuals affected with ERBIN-related conditions. In summary, the available evidence is currently insufficient to determine the role of this variant in disease. Therefore, it has been classified as a Variant of Uncertain Significance.